The following is an entry in ClinVar:

ClinVar aggregate classification (germline): Pathogenic/Likely pathogenic. Review status: criteria provided, multiple submitters, no conflicts (2 of 4 stars). 2 submissions from 2 submitters: Pathogenic (1); Likely pathogenic (1). Last evaluated 2025-11-07.

Conditions:
Osteogenesis imperfecta type I (OI1). Also called: Lobstein disease; OI, TYPE I; OSTEOGENESIS IMPERFECTA TARDA; OSTEOGENESIS IMPERFECTA WITH BLUE SCLERAE; Osteogenesis imperfecta type 1; Lobstein's Disease. Identifiers: Orphanet 216796, Orphanet 666, MedGen C0023931, MONDO:0008146, OMIM 166200. Disease mechanism: loss of function.

Submissions (2):

GeneDx
Classification: Likely pathogenic. Last evaluated: 2025-11-07. Review status: criteria provided, single submitter. Criteria: GeneDx Variant Classification Process June 2021. Collection method: clinical testing. Allele origin: germline. Affected: yes.
Comment: Not observed at significant frequency in large population cohorts (gnomAD); Canonical splice site variant predicted to result in an in-frame loss of the adjacent exon in a gene for which loss of function is a known mechanism of disease; This variant is associated with the following publications: (PMID: 25963598)

Clinical Biomedical Laboratory, Shriners Hospital For Children - Canada
Classification: Pathogenic for Osteogenesis imperfecta type I. Last evaluated: 2025-05-23. Review status: criteria provided, single submitter. Criteria: ACMG Guidelines, 2015. Collection method: clinical testing. Allele origin: germline. Affected: yes.
Comment: This variant affects a consensus splice site in COL1A1. This variant has been previously reported in association with osteogenesis imperfecta type 1 (PMID: 25963598). Functional studies of patient fibroblasts detected usage of a cryptic acceptor splice site within exon 2 that leads to nonsense mediated decay or a truncated protein as type I procollagen levels were reduced (PMID: 25963598). This variant is absent from the Genome Aggregation Database (v2.1.1).

Literature cited by the submitters: PubMed 25963598 (cited by Clinical Biomedical Laboratory, Shriners Hospital For Children - Canada).

NM_000088.4(COL1A1):c.104-1G>T

Gene: COL1A1 (collagen type I alpha 1 chain; minus strand). Cytogenetic location: 17q21.33.
Variant type: single nucleotide variant.
Coding change: c.104-1G>T on transcript NM_000088.4 (MANE Select); the canonical splice acceptor site of the intron before coding-DNA position 104, G replaced by T.
Molecular consequence: splice acceptor variant.
Genome position (GRCh38, 1-based): chr17:50,199,948, C>A on the plus strand (G>T on the coding strand, the complement: COL1A1 is on the minus strand). VCF-style: chr17-50199948-C-A. GRCh37 (hg19) VCF-style: chr17-48277309-C-A.
Identifiers: ClinVar variation 488876 (VCV000488876.4), dbSNP rs1555575456, ClinGen allele CA400228728.